The following is an entry in ClinVar:

NM_177438.3(DICER1):c.3447G>C (p.Met1149Ile)

Gene: DICER1 (dicer 1, ribonuclease III; minus strand). Cytogenetic location: 14q32.13.
Variant type: single nucleotide variant.
Coding change: c.3447G>C on transcript NM_177438.3 (MANE Select); coding-DNA position 3447, G replaced by C.
Protein change: p.Met1149Ile; replaces methionine 1149 with isoleucine.
Molecular consequence: missense variant.
Genome position (GRCh38, 1-based): chr14:95,103,949, C>G on the plus strand (G>C on the coding strand, the complement: DICER1 is on the minus strand). VCF-style: chr14-95103949-C-G. GRCh37 (hg19) VCF-style: chr14-95570286-C-G.
Other names: c.3447G>C, p.Met1149Ile (NM_001195573.1, NM_001271282.3, NM_001291628.2 and 1 more transcripts); short protein forms M1149I.
Identifiers: ClinVar variation 477140 (VCV000477140.12), dbSNP rs1304695583, ClinGen allele CA390875392.

ClinVar aggregate classification (germline): Uncertain significance. Review status: criteria provided, multiple submitters, no conflicts (2 of 4 stars). 2 submissions from 2 submitters: Uncertain significance (2). Last evaluated 2025-09-25.

Conditions:
DICER1-related tumor predisposition. Also called: DICER1-related pleuropulmonary blastoma cancer predisposition syndrome; DICER1 syndrome. Identifiers: Orphanet 284343, MedGen C3839822, MONDO:0100216.
Hereditary cancer-predisposing syndrome. Also called: Tumor predisposition; Neoplastic Syndromes, Hereditary; Hereditary Cancer Syndrome; Hereditary neoplastic syndrome. Identifiers: Orphanet 140162, MedGen C0027672, MeSH D009386, MONDO:0015356.

Submissions (2):

Ambry Genetics
Classification: Uncertain significance for Hereditary cancer-predisposing syndrome. Last evaluated: 2025-09-25. Review status: criteria provided, single submitter. Criteria: Ambry Variant Classification Scheme 2023. Collection method: clinical testing. Allele origin: germline.
Comment: The p.M1149I variant (also known as c.3447G>C), located in coding exon 20 of the DICER1 gene, results from a G to C substitution at nucleotide position 3447. The methionine at codon 1149 is replaced by isoleucine, an amino acid with highly similar properties. This amino acid position is conserved. In addition, the in silico prediction for this alteration is inconclusive. Since supporting evidence is limited at this time, the clinical significance of this alteration remains unclear.

Labcorp Genetics (formerly Invitae), Labcorp
Classification: Uncertain significance for DICER1-related tumor predisposition. Last evaluated: 2017-01-16. Review status: criteria provided, single submitter. Criteria: Invitae Variant Classification Sherloc (09022015). Collection method: clinical testing. Allele origin: germline.
Comment: In summary, this variant is a novel missense change that is not predicted to affect protein function. There is no indication that it causes disease, but the available evidence is currently insufficient to prove that conclusively. Therefore, it has been classified as a Variant of Uncertain Significance. Algorithms developed to predict the effect of missense changes on protein structure and function (SIFT, PolyPhen-2, Align-GVGD) all suggest that this variant is likely to be tolerated, but these predictions have not been confirmed by published functional studies. This variant is not present in population databases (ExAC no frequency) and has not been reported in the literature in individuals with a DICER1-related disease. This sequence change replaces methionine with isoleucine at codon 1149 of the DICER1 protein (p.Met1149Ile). The methionine residue is moderately conserved and there is a small physicochemical difference between methionine and isoleucine.